The following is an entry in ClinVar:

ClinVar aggregate classification (germline): Uncertain significance (0 of 4 stars; one submission).

Conditions:
TJP2-related disorder. Also called: TJP2-related condition.

Allele frequency attached by ClinVar (database versions not stated): gnomAD exomes below 0.00001.
gnomAD v4.1: 1 of 1,610,250 alleles (0.000062%); highest among the groups gnomAD compares: Non-Finnish European, 0.000085%; no homozygotes.

Submission:

PreventionGenetics, part of Exact Sciences
Classification: Uncertain significance for TJP2-related condition. Last evaluated: 2023-11-21. Review status: no assertion criteria provided. Collection method: clinical testing. Allele origin: germline.
Comment: The TJP2 c.476G>T variant is predicted to result in the amino acid substitution p.Ser159Ile. To our knowledge, this variant has not been reported in the literature or in a large population database, indicating this variant is rare. At this time, the clinical significance of this variant is uncertain due to the absence of conclusive functional and genetic evidence.

NM_004817.4(TJP2):c.476G>T (p.Ser159Ile)

Gene: TJP2 (tight junction protein 2; plus strand). Cytogenetic location: 9q21.11.
Variant type: single nucleotide variant.
Coding change: c.476G>T on transcript NM_004817.4 (MANE Select); coding-DNA position 476, G replaced by T.
Protein change: p.Ser159Ile; replaces serine 159 with isoleucine.
Molecular consequence: missense variant.
Genome position (GRCh38, 1-based): chr9:69,221,020, G>T. VCF-style: chr9-69221020-G-T. GRCh37 (hg19) VCF-style: chr9-71835936-G-T.
Other names: c.407G>T, p.Ser136Ile (NM_001170414.2, NM_001369870.1, NM_001369871.1); c.488G>T, p.Ser163Ile (NM_001170415.1, NM_001369874.1, NM_001369875.1); c.569G>T, p.Ser190Ile (NM_001170416.2); c.476G>T, p.Ser159Ile (NM_001369872.1, NM_001369873.1, NM_201629.3); short protein forms S136I, S159I, S163I, S190I.
Identifiers: ClinVar variation 3034757 (VCV003034757.2), dbSNP rs2538446358, ClinGen allele CA373528213.